The following is an entry in ClinVar:

NM_018896.5(CACNA1G):c.7014C>A (p.Ser2338Arg)

Gene: CACNA1G (calcium voltage-gated channel subunit alpha1 G; plus strand). Cytogenetic location: 17q21.33.
Variant type: single nucleotide variant.
Coding change: c.7014C>A on transcript NM_018896.5 (MANE Select); coding-DNA position 7014, C replaced by A.
Protein change: p.Ser2338Arg; replaces serine 2338 with arginine.
Molecular consequence: missense variant. On other transcripts: non-coding transcript variant (5).
Genome position (GRCh38, 1-based): chr17:50,626,631, C>A. VCF-style: chr17-50626631-C-A. GRCh37 (hg19) VCF-style: chr17-48703992-C-A.
Other names: c.6579C>A, p.Ser2193Arg (NM_001256331.2); c.6564C>A, p.Ser2188Arg (NM_001256332.2); c.6714C>A, p.Ser2238Arg (NM_001256327.2); c.6660C>A, p.Ser2220Arg (NM_001256328.2); c.6633C>A, p.Ser2211Arg (NM_001256329.2, NM_198387.3); c.6600C>A, p.Ser2200Arg (NM_001256330.2); c.6498C>A, p.Ser2166Arg (NM_001256333.2); c.6465C>A, p.Ser2155Arg (NM_001256334.2); and 18 more; short protein forms S2166R, S2200R, S2218R, S2245R, S2293R, S2155R, S2188R, S2204R.
Identifiers: ClinVar variation 4774948 (VCV004774948.1).
Genomic context (GRCh38, chr17:50,626,631, plus strand): 5'-CCAAGGTCCTCGGACCCCGCCCAGCCCTGGTATCTGCCTCCGGAGGAGGGCTCCGTCCAG[C>A]GACTCCAAGGATCCCTTGGCCTCTGGCCCCCCTGACAGCATGGCTGCCTCGCCCTCCCCA-3'
Protein context (NP_061496.2, residues 2328-2348): GICLRRRAPS[Ser2338Arg]DSKDPLASGP

ClinVar aggregate classification (germline): Uncertain significance (1 of 4 stars; one submission).

Submission:

Labcorp Genetics (formerly Invitae), Labcorp
Classification: Uncertain significance. Last evaluated: 2025-11-04. Review status: criteria provided, single submitter. Criteria: Invitae Variant Classification Sherloc (09022015). Collection method: clinical testing. Allele origin: germline.
Comment: This sequence change replaces serine, which is neutral and polar, with arginine, which is basic and polar, at codon 2338 of the CACNA1G protein (p.Ser2338Arg). This variant is not present in population databases (gnomAD no frequency). This variant has not been reported in the literature in individuals affected with CACNA1G-related conditions. Invitae Evidence Modeling of protein sequence and biophysical properties (such as structural, functional, and spatial information, amino acid conservation, physicochemical variation, residue mobility, and thermodynamic stability) indicates that this missense variant is not expected to disrupt CACNA1G protein function with a negative predictive value of 95%. In summary, the available evidence is currently insufficient to determine the role of this variant in disease. Therefore, it has been classified as a Variant of Uncertain Significance.